The following is an entry in ClinVar:

ClinVar aggregate classification (germline): Uncertain significance (1 of 4 stars; one submission).

gnomAD v4.1: 1 of 1,606,872 alleles (0.000062%); no homozygotes.

Submission:

Labcorp Genetics (formerly Invitae), Labcorp
Classification: Uncertain significance. Last evaluated: 2023-12-11. Review status: criteria provided, single submitter. Criteria: Invitae Variant Classification Sherloc (09022015). Collection method: clinical testing. Allele origin: germline.
Comment: This sequence change replaces proline, which is neutral and non-polar, with leucine, which is neutral and non-polar, at codon 419 of the COL9A3 protein (p.Pro419Leu). This variant is not present in population databases (gnomAD no frequency). This variant has not been reported in the literature in individuals affected with COL9A3-related conditions. ClinVar contains an entry for this variant (Variation ID: 2126016). Advanced modeling of protein sequence and biophysical properties (such as structural, functional, and spatial information, amino acid conservation, physicochemical variation, residue mobility, and thermodynamic stability) performed at Invitae indicates that this missense variant is not expected to disrupt COL9A3 protein function with a negative predictive value of 95%. In summary, the available evidence is currently insufficient to determine the role of this variant in disease. Therefore, it has been classified as a Variant of Uncertain Significance.

NM_001853.4(COL9A3):c.1256C>T (p.Pro419Leu)

Gene: COL9A3 (collagen type IX alpha 3 chain; plus strand). Cytogenetic location: 20q13.33.
Variant type: single nucleotide variant.
Coding change: c.1256C>T on transcript NM_001853.4 (MANE Select); coding-DNA position 1256, C replaced by T.
Protein change: p.Pro419Leu; replaces proline 419 with leucine.
Molecular consequence: missense variant.
Genome position (GRCh38, 1-based): chr20:62,830,557, C>T. VCF-style: chr20-62830557-C-T. GRCh37 (hg19) VCF-style: chr20-61461909-C-T.
Other names: short protein forms P419L.
Identifiers: ClinVar variation 2126016 (VCV002126016.4), dbSNP rs1387348799, ClinGen allele CA409594773.